The following is an entry in ClinVar:

ClinVar aggregate classification (germline): Likely benign. Review status: criteria provided, multiple submitters, no conflicts (2 of 4 stars). 2 submissions from 2 submitters: Likely benign (2). Last evaluated 2026-04-15.

Conditions:
RAC3-related disorder. Also called: RAC3-related condition.

gnomAD v4.1: 47 of 1,613,512 alleles (0.0029%); highest among the groups gnomAD compares: Admixed American, 0.005%; no homozygotes.

Submissions (2):

PreventionGenetics, part of Exact Sciences
Classification: Likely benign for RAC3-related condition. Last evaluated: 2026-04-15. Review status: criteria provided, single submitter. Criteria: ACMG Guidelines, 2015. Collection method: clinical testing. Allele origin: germline.
Comment: This variant is classified as likely benign based on ACMG/AMP sequence variant interpretation guidelines (Richards et al. 2015 PMID: 25741868, with internal and published modifications).

Blueprint Genetics
Classification: Likely benign. Last evaluated: 2023-03-24. Review status: criteria provided, single submitter. Criteria: ACMG Guidelines, 2015. Collection method: clinical testing. Allele origin: germline.

NM_005052.3(RAC3):c.226-5C>T

Gene: RAC3 (Rac family small GTPase 3; plus strand). Cytogenetic location: 17q25.3.
Variant type: single nucleotide variant.
Coding change: c.226-5C>T on transcript NM_005052.3 (MANE Select); 5 bases into the intron before coding-DNA position 226, C replaced by T.
Molecular consequence: intron variant.
Genome position (GRCh38, 1-based): chr17:82,032,942, C>T. VCF-style: chr17-82032942-C-T. GRCh37 (hg19) VCF-style: chr17-79990818-C-T.
Other names: c.226-5C>T (NM_005052.2, NM_001316307.2).
Identifiers: ClinVar variation 4937705 (VCV004937705.2).